The following is an entry in ClinVar:

ClinVar aggregate classification (germline): Benign. Review status: criteria provided, multiple submitters, no conflicts (2 of 4 stars). 3 submissions from 3 submitters: Benign (3). Last evaluated 2026-02-04.

Allele frequency attached by ClinVar (database versions not stated): ExAC 0.00470; 1000 Genomes Project 0.01418; 1000 Genomes Project 30x 0.01421; gnomAD 0.01611 and 0.01737; ESP Exome Variant Server 0.01733; TOPMed 0.01825; gnomAD exomes 0.00381.
gnomAD v4.1: 4,798 of 1,597,854 alleles (0.3%); highest among the groups gnomAD compares: African/African-American, 5.6%; 154 homozygotes.

Submissions (3):

Labcorp Genetics (formerly Invitae), Labcorp
Classification: Benign. Last evaluated: 2026-02-04. Review status: criteria provided, single submitter. Criteria: Invitae Variant Classification Sherloc (09022015). Collection method: clinical testing. Allele origin: germline.

GeneDx
Classification: Benign. Last evaluated: 2016-10-27. Review status: criteria provided, single submitter. Criteria: GeneDx Variant Classification (06012015). Collection method: clinical testing. Allele origin: germline. Affected: yes.
Comment: This variant is considered likely benign or benign based on one or more of the following criteria: it is a conservative change, it occurs at a poorly conserved position in the protein, it is predicted to be benign by multiple in silico algorithms, and/or has population frequency not consistent with disease.

Breakthrough Genomics
Classification: Benign. Review status: criteria provided, single submitter. Criteria: ACMG Guidelines, 2015. Collection method: not provided. Allele origin: germline. Inheritance: Autosomal recessive inheritance. Affected: yes.

NM_022124.6(CDH23):c.2734-17C>T

Gene: CDH23 (cadherin related 23; plus strand). Cytogenetic location: 10q22.1.
Variant type: single nucleotide variant.
Coding change: c.2734-17C>T on transcript NM_022124.6 (MANE Select); 17 bases into the intron before coding-DNA position 2734, C replaced by T.
Molecular consequence: intron variant.
Genome position (GRCh38, 1-based): chr10:71,704,894, C>T. VCF-style: chr10-71704894-C-T. GRCh37 (hg19) VCF-style: chr10-73464651-C-T.
Other names: c.2734-17C>T (NM_001171930.2, NM_001171931.2).
Identifiers: ClinVar variation 381310 (VCV000381310.11), dbSNP rs79742451, ClinGen allele CA5544326.